The following is an entry in ClinVar:

ClinVar aggregate classification (germline): Benign (1 of 4 stars; one submission).

Conditions:
Leigh syndrome (NULS). Also called: Leigh's necrotizing encephalopathy; Leigh's disease; Leigh's syndrome; LEIGH SYNDROME, NUCLEAR; Leigh Syndrome (mtDNA deletion); Leigh Disease. Identifiers: Orphanet 506, MedGen C2931891, MONDO:0009723, OMIM 256000.

Submission:

Wong Mito Lab, Molecular and Human Genetics, Baylor College of Medicine
Classification: Benign for Leigh syndrome. Last evaluated: 2019-10-17. Review status: criteria provided, single submitter. Criteria: Modified ACMG Guidelines (Unpublished). Collection method: clinical testing. Allele origin: germline.
Comment: The NC_012920.1:m.15402C>T (YP_003024038.1:p.Thr219Ile) variant in MTCYB gene is interpretated to be a Benign variant based on the modified ACMG guidelines (unpublished). This variant meets the following evidence codes: BS1, BS2

NC_012920.1(MT-CYB):m.15402C>T

Gene: MT-CYB (mitochondrially encoded cytochrome b; plus strand).
Variant type: single nucleotide variant.
Genome position: chrM-15402-C-T.
Identifiers: ClinVar variation 693878 (VCV000693878.1), dbSNP rs879163418, ClinGen allele CA337100388.